The following is an entry in ClinVar:

NM_003482.4(KMT2D):c.10837C>G (p.His3613Asp)

Gene: KMT2D (lysine methyltransferase 2D; minus strand). Cytogenetic location: 12q13.12.
Variant type: single nucleotide variant.
Coding change: c.10837C>G on transcript NM_003482.4 (MANE Select); coding-DNA position 10837, C replaced by G.
Protein change: p.His3613Asp; replaces histidine 3613 with aspartic acid.
Molecular consequence: missense variant.
Genome position (GRCh38, 1-based): chr12:49,033,868, G>C on the plus strand (C>G on the coding strand, the complement: KMT2D is on the minus strand). VCF-style: chr12-49033868-G-C. GRCh37 (hg19) VCF-style: chr12-49427651-G-C.
Other names: short protein forms H3613D.
Identifiers: ClinVar variation 3353334 (VCV003353334.5).

ClinVar aggregate classification (germline): Uncertain significance. Review status: criteria provided, multiple submitters, no conflicts (2 of 4 stars). 3 submissions from 3 submitters: Uncertain significance (3). Last evaluated 2025-08-04.

Conditions:
Inborn genetic diseases. Identifiers: MedGen C0950123, MeSH D030342.
KMT2D-related disorder. Also called: KMT2D-Related Disorders.
Kabuki syndrome. Also called: NIIKAWA-KUROKI SYNDROME; Kabuki make-up syndrome. Identifiers: Orphanet 2322, MedGen C0796004, MONDO:0016512.

Submissions (3):

Ambry Genetics
Classification: Uncertain significance for Inborn genetic diseases. Last evaluated: 2025-08-04. Review status: criteria provided, single submitter. Criteria: Ambry Variant Classification Scheme 2023. Collection method: clinical testing. Allele origin: germline.

Labcorp Genetics (formerly Invitae), Labcorp
Classification: Uncertain significance for Kabuki syndrome. Last evaluated: 2025-04-02. Review status: criteria provided, single submitter. Criteria: Invitae Variant Classification Sherloc (09022015). Collection method: clinical testing. Allele origin: germline.
Comment: This sequence change replaces histidine, which is basic and polar, with aspartic acid, which is acidic and polar, at codon 3613 of the KMT2D protein (p.His3613Asp). This variant is not present in population databases (gnomAD no frequency). This variant has not been reported in the literature in individuals affected with KMT2D-related conditions. ClinVar contains an entry for this variant (Variation ID: 3353334). Invitae Evidence Modeling of protein sequence and biophysical properties (such as structural, functional, and spatial information, amino acid conservation, physicochemical variation, residue mobility, and thermodynamic stability) indicates that this missense variant is not expected to disrupt KMT2D protein function with a negative predictive value of 95%. In summary, the available evidence is currently insufficient to determine the role of this variant in disease. Therefore, it has been classified as a Variant of Uncertain Significance.

PreventionGenetics, part of Exact Sciences
Classification: Uncertain significance for KMT2D-related condition. Last evaluated: 2025-02-05. Review status: criteria provided, single submitter. Criteria: ACMG Guidelines, 2015. Collection method: clinical testing. Allele origin: germline.
Comment: The KMT2D c.10837C>G variant is predicted to result in the amino acid substitution p.His3613Asp. To our knowledge, this variant has not been reported in the literature or in a large population database, indicating this variant is rare. At this time, the clinical significance of this variant is uncertain due to the absence of conclusive functional and genetic evidence.